The following is an entry in ClinVar:

NM_022168.4(IFIH1):c.1940A>G (p.Glu647Gly)

Gene: IFIH1 (interferon induced with helicase C domain 1; minus strand). Cytogenetic location: 2q24.2.
Variant type: single nucleotide variant.
Coding change: c.1940A>G on transcript NM_022168.4 (MANE Select); coding-DNA position 1940, A replaced by G.
Protein change: p.Glu647Gly; replaces glutamic acid 647 with glycine.
Molecular consequence: missense variant.
Genome position (GRCh38, 1-based): chr2:162,277,519, T>C on the plus strand (A>G on the coding strand, the complement: IFIH1 is on the minus strand). VCF-style: chr2-162277519-T-C. GRCh37 (hg19) VCF-style: chr2-163134029-T-C.
Other names: short protein forms E647G.
Identifiers: ClinVar variation 1922314 (VCV001922314.5), dbSNP rs2468959298, ClinGen allele CA348998897.

ClinVar aggregate classification (germline): Uncertain significance (1 of 4 stars; one submission).

Conditions:
Singleton-Merten syndrome 1 (SGMRT1). Also called: Widened medullary cavities of bone, aortic calcification, abnormal dentition, and muscular weakness; Syndrome of widened medullary cavities of the metacarpals and phalanges, aortic calcification and abnormal dentition. Identifiers: Orphanet 85191, MedGen C4225427, MONDO:0024535, OMIM 182250.
Aicardi-Goutieres syndrome 7 (AGS7). Identifiers: Orphanet 51, MedGen C3888244, MONDO:0014367, OMIM 615846.

Allele frequency attached by ClinVar (database versions not stated): gnomAD exomes below 0.00001.
gnomAD v4.1: 1 of 1,580,656 alleles (0.000063%); highest among the groups gnomAD compares: Non-Finnish European, 0.000087%; no homozygotes.

Submission:

Labcorp Genetics (formerly Invitae), Labcorp
Classification: Uncertain significance for Aicardi-Goutieres syndrome 7; Singleton-Merten syndrome 1. Last evaluated: 2025-06-02. Review status: criteria provided, single submitter. Criteria: Invitae Variant Classification Sherloc (09022015). Collection method: clinical testing. Allele origin: germline.
Comment: This sequence change replaces glutamic acid, which is acidic and polar, with glycine, which is neutral and non-polar, at codon 647 of the IFIH1 protein (p.Glu647Gly). This variant is not present in population databases (gnomAD no frequency). This variant has not been reported in the literature in individuals affected with IFIH1-related conditions. ClinVar contains an entry for this variant (Variation ID: 1922314). Invitae Evidence Modeling of protein sequence and biophysical properties (such as structural, functional, and spatial information, amino acid conservation, physicochemical variation, residue mobility, and thermodynamic stability) has been performed for this missense variant. However, the output from this modeling did not meet the statistical confidence thresholds required to predict the impact of this variant on IFIH1 protein function. In summary, the available evidence is currently insufficient to determine the role of this variant in disease. Therefore, it has been classified as a Variant of Uncertain Significance.